The following is an entry in ClinVar:

NM_003060.4(SLC22A5):c.1391G>A (p.Gly464Glu)

Gene: SLC22A5 (solute carrier family 22 member 5; plus strand). Cytogenetic location: 5q31.1.
Variant type: single nucleotide variant.
Coding change: c.1391G>A on transcript NM_003060.4 (MANE Select); coding-DNA position 1391, G replaced by A.
Protein change: p.Gly464Glu; replaces glycine 464 with glutamic acid.
Molecular consequence: missense variant.
Genome position (GRCh38, 1-based): chr5:132,392,556, G>A. VCF-style: chr5-132392556-G-A. GRCh37 (hg19) VCF-style: chr5-131728248-G-A.
Other names: c.1463G>A, p.Gly488Glu (NM_001308122.2); short protein forms G464E, G488E.
Identifiers: ClinVar variation 847432 (VCV000847432.8), dbSNP rs1752740146, ClinGen allele CA360809092.

ClinVar aggregate classification (germline): Uncertain significance. Review status: criteria provided, multiple submitters, no conflicts (2 of 4 stars). 3 submissions from 3 submitters: Uncertain significance (3). Last evaluated 2021-08-31.

Conditions:
Renal carnitine transport defect (CDSP). Also called: CARNITINE DEFICIENCY, SYSTEMIC, DUE TO DEFECT IN RENAL REABSORPTION OF CARNITINE; CARNITINE TRANSPORTER, PLASMA-MEMBRANE, DEFICIENCY OF; CARNITINE UPTAKE DEFECT; Carnitine transporter deficiency; Systemic primary carnitine deficiency disease; Primary carnitine deficiency. Identifiers: Orphanet 158, MedGen C0342788, MONDO:0008919, OMIM 212140.

Allele frequency attached by ClinVar (database versions not stated): gnomAD exomes below 0.00001; TOPMed below 0.00001.
gnomAD v4.1: 2 of 1,614,206 alleles (0.00012%); highest among the groups gnomAD compares: South Asian, 0.0022%; no homozygotes.

Submissions (3):

Labcorp Genetics (formerly Invitae), Labcorp
Classification: Uncertain significance for Renal carnitine transport defect. Last evaluated: 2021-08-31. Review status: criteria provided, single submitter. Criteria: Invitae Variant Classification Sherloc (09022015). Collection method: clinical testing. Allele origin: germline.

Blueprint Genetics
Classification: Uncertain significance. Last evaluated: 2021-08-18. Review status: criteria provided, single submitter. Criteria: ACMG Guidelines, 2015. Collection method: clinical testing. Allele origin: germline.

Kasturba Medical College, Manipal, Kasturba Medical College, Manipal, Manipal Academy of Higher Education, Manipal, India
Classification: Uncertain significance for Renal carnitine transport defect. Review status: criteria provided, single submitter. Criteria: ACMG Guidelines, 2015. Collection method: clinical testing. Allele origin: unknown. Inheritance: Autosomal recessive inheritance. Affected: no. Observed: 1 heterozygote.
Comment: This variant is reported in ClinVar database (847432). In-silico analysis tools (REVEL, CADD and mutation Taster) predict the variant to be disease-causing and likely to affect the SLC22A5 protein function. Bi-allelic variants in SLC22A5 are associated with carnitine deficiency, systemic primary (MIM#212140) characterized by hypoketotic hypoglycemia, poor feeding, irritability, lethargy, hepatomegaly, elevated liver transaminases, and hyperammonemia.